The following is an entry in ClinVar:

ClinVar aggregate classification (germline): Uncertain significance (1 of 4 stars; one submission).

Conditions:
Primary ciliary dyskinesia. Also called: Ciliary dyskinesia. Identifiers: Orphanet 244, MedGen C0008780, MONDO:0016575, HP:0012265.

Allele frequency attached by ClinVar (database versions not stated): gnomAD 0.00005 and 0.00006; gnomAD exomes 0.00006; TOPMed 0.00006.
gnomAD v4.1: 48 of 1,344,968 alleles (0.0036%); highest among the groups gnomAD compares: Middle Eastern, 0.028%; no homozygotes.

Submission:

Labcorp Genetics (formerly Invitae), Labcorp
Classification: Uncertain significance for Primary ciliary dyskinesia. Last evaluated: 2025-11-18. Review status: criteria provided, single submitter. Criteria: Invitae Variant Classification Sherloc (09022015). Collection method: clinical testing. Allele origin: germline.
Comment: This sequence change replaces proline, which is neutral and non-polar, with leucine, which is neutral and non-polar, at codon 60 of the DNAAF5 protein (p.Pro60Leu). The frequency data for this variant in the population databases is considered unreliable, as metrics indicate poor data quality at this position in the gnomAD database. This variant has not been reported in the literature in individuals affected with DNAAF5-related conditions. ClinVar contains an entry for this variant (Variation ID: 651896). Invitae Evidence Modeling of protein sequence and biophysical properties (such as structural, functional, and spatial information, amino acid conservation, physicochemical variation, residue mobility, and thermodynamic stability) indicates that this missense variant is not expected to disrupt DNAAF5 protein function with a negative predictive value of 80%. In summary, the available evidence is currently insufficient to determine the role of this variant in disease. Therefore, it has been classified as a Variant of Uncertain Significance.

NM_017802.4(DNAAF5):c.179C>T (p.Pro60Leu)

Genes: DNAAF5 (dynein axonemal assembly factor 5; plus strand), PRKAR1B (protein kinase cAMP-dependent type I regulatory subunit beta; minus strand), LOC129997730 (ATAC-STARR-seq lymphoblastoid silent region 17816; plus strand). Cytogenetic location: 7p22.3.
Variant type: single nucleotide variant.
Coding change: c.179C>T on transcript NM_017802.4 (MANE Select); coding-DNA position 179, C replaced by T.
Protein change: p.Pro60Leu; replaces proline 60 with leucine.
Molecular consequence: missense variant. On other transcripts: non-coding transcript variant (1), intron variant (3).
Genome position (GRCh38, 1-based): chr7:726,899, C>T. VCF-style: chr7-726899-C-T. GRCh37 (hg19) VCF-style: chr7-766536-C-T.
Other names: c.-23+756G>A (NM_001164759.1); c.-23+691G>A (NM_001164758.2); c.-23+311G>A (NM_001164760.2); short protein forms P60L.
Identifiers: ClinVar variation 651896 (VCV000651896.16), dbSNP rs1238011792, ClinGen allele CA366529915.
Genomic context (GRCh38, chr7:726,899, plus strand): 5'-CCGACAGCAAGCCGGGCCGGCGGCGCGCCTTGGAGGCCCTGCGGCGCGCGCTGGAGGAGC[C>T]AGGCCCTGCCGCCGACCCCACCGCTTTCCAGGGCCCCTGGGCGCGCCTACTGCTGCCGCG-3'
Protein context (NP_060272.3, residues 50-70): LEALRRALEE[Pro60Leu]GPAADPTAFQ